The following is an entry in ClinVar:

NM_006031.6(PCNT):c.5167A>G (p.Asn1723Asp)

Gene: PCNT (pericentrin; plus strand). Cytogenetic location: 21q22.3.
Variant type: single nucleotide variant.
Coding change: c.5167A>G on transcript NM_006031.6 (MANE Select); coding-DNA position 5167, A replaced by G.
Protein change: p.Asn1723Asp; replaces asparagine 1723 with aspartic acid.
Molecular consequence: missense variant.
Genome position (GRCh38, 1-based): chr21:46,411,240, A>G. VCF-style: chr21-46411240-A-G. GRCh37 (hg19) VCF-style: chr21-47831154-A-G.
Other names: c.4813A>G, p.Asn1605Asp (NM_001315529.2); short protein forms N1723D, N1605D.
Identifiers: ClinVar variation 2054141 (VCV002054141.7), dbSNP rs372245671, ClinGen allele CA10079915.
Genomic context (GRCh38, chr21:46,411,240, plus strand): 5'-TCTCTTCAGGTCATATATACCAGAAGTTCTGAGATTGAAGAGCTGAAAGCCACTATTGAA[A>G]ATCTGCAAGAGAATCAGAAACGATTACAAAAGGAGAAAGCAGAGGAAATTGAACAACTCC-3'
Protein context (NP_006022.3, residues 1713-1733): EIEELKATIE[Asn1723Asp]LQENQKRLQK

ClinVar aggregate classification (germline): Uncertain significance. Review status: criteria provided, multiple submitters, no conflicts (2 of 4 stars). 3 submissions from 3 submitters: Uncertain significance (3). Last evaluated 2026-07-09.

Conditions:
PCNT-related disorder. Also called: PCNT-related condition.
Inborn genetic diseases. Identifiers: MedGen C0950123, MeSH D030342.

Allele frequency attached by ClinVar (database versions not stated): gnomAD 0.00003; ExAC 0.00004; TOPMed 0.00004; gnomAD exomes 0.00011; ESP Exome Variant Server 0.00023.
gnomAD v4.1: 164 of 1,614,084 alleles (0.01%); highest among the groups gnomAD compares: Non-Finnish European, 0.014%; no homozygotes.

Submissions (3):

PreventionGenetics, part of Exact Sciences
Classification: Uncertain significance for PCNT-related condition. Last evaluated: 2026-07-09. Review status: criteria provided, single submitter. Criteria: ACMG Guidelines, 2015. Collection method: clinical testing. Allele origin: germline.
Comment: The PCNT c.5167A>G variant is predicted to result in the amino acid substitution p.Asn1723Asp. To our knowledge, this variant has not been reported in the literature. This variant is reported in 0.0044% of alleles in individuals of European (Non-Finnish) descent in gnomAD. At this time, the clinical significance of this variant is uncertain due to the absence of conclusive functional and genetic evidence.

Ambry Genetics
Classification: Uncertain significance for Inborn genetic diseases. Last evaluated: 2025-02-27. Review status: criteria provided, single submitter. Criteria: Ambry Variant Classification Scheme 2023. Collection method: clinical testing. Allele origin: germline.

Labcorp Genetics (formerly Invitae), Labcorp
Classification: Uncertain significance. Last evaluated: 2022-03-04. Review status: criteria provided, single submitter. Criteria: Invitae Variant Classification Sherloc (09022015). Collection method: clinical testing. Allele origin: germline.
Comment: This sequence change replaces asparagine, which is neutral and polar, with aspartic acid, which is acidic and polar, at codon 1723 of the PCNT protein (p.Asn1723Asp). This variant is present in population databases (rs372245671, gnomAD 0.007%). This variant has not been reported in the literature in individuals affected with PCNT-related conditions. Algorithms developed to predict the effect of missense changes on protein structure and function (SIFT, PolyPhen-2, Align-GVGD) all suggest that this variant is likely to be tolerated. In summary, the available evidence is currently insufficient to determine the role of this variant in disease. Therefore, it has been classified as a Variant of Uncertain Significance.